The following is an entry in ClinVar:

NM_017646.6(TRIT1):c.1224C>T (p.Arg408=)

Gene: TRIT1 (tRNA isopentenyltransferase 1; minus strand). Cytogenetic location: 1p34.2.
Variant type: single nucleotide variant.
Coding change: c.1224C>T on transcript NM_017646.6 (MANE Select); coding-DNA position 1224, C replaced by T.
Protein change: p.Arg408=; no amino-acid change (arginine 408 retained).
Molecular consequence: synonymous variant.
Genome position (GRCh38, 1-based): chr1:39,844,111, G>A on the plus strand (C>T on the coding strand, the complement: TRIT1 is on the minus strand). VCF-style: chr1-39844111-G-A. GRCh37 (hg19) VCF-style: chr1-40309783-G-A.
Other names: c.1146C>T, p.Arg382= (NM_001312691.2); c.978C>T, p.Arg326= (NM_001312692.2).
Identifiers: ClinVar variation 3030335 (VCV003030335.2), dbSNP rs142932194, ClinGen allele CA787876.

ClinVar aggregate classification (germline): Likely benign (0 of 4 stars; one submission).

Conditions:
TRIT1-related disorder. Also called: TRIT1-related condition.

Allele frequency attached by ClinVar (database versions not stated): gnomAD exomes below 0.00001; ExAC 0.00001; gnomAD 0.00003; TOPMed 0.00003; ESP Exome Variant Server 0.00015.
gnomAD v4.1: 9 of 1,613,222 alleles (0.00056%); highest among the groups gnomAD compares: African/African-American, 0.004%; no homozygotes.

Submission:

PreventionGenetics, part of Exact Sciences
Classification: Likely benign for TRIT1-related condition. Last evaluated: 2021-12-02. Review status: no assertion criteria provided. Collection method: clinical testing. Allele origin: germline.
Comment: This variant is classified as likely benign based on ACMG/AMP sequence variant interpretation guidelines (Richards et al. 2015 PMID: 25741868, with internal and published modifications).